The following is an entry in ClinVar:

ClinVar aggregate classification (germline): Uncertain significance. Review status: criteria provided, multiple submitters, no conflicts (2 of 4 stars). 2 submissions from 2 submitters: Uncertain significance (2). Last evaluated 2026-08-19.

Conditions:
CLRN1-related disorder. Also called: CLRN1-related condition.

gnomAD v4.1: 58 of 1,613,892 alleles (0.0036%); highest among the groups gnomAD compares: East Asian, 0.074%; no homozygotes.

Submissions (2):

PreventionGenetics, part of Exact Sciences
Classification: Uncertain significance for CLRN1-related condition. Last evaluated: 2026-08-19. Review status: criteria provided, single submitter. Criteria: ACMG Guidelines, 2015. Collection method: clinical testing. Allele origin: germline.
Comment: The CLRN1 c.353G>A variant is predicted to result in the amino acid substitution p.Arg118Gln. To our knowledge, this variant has not been reported in the literature. This variant is reported in 0.14% of alleles in individuals of East Asian descent in gnomAD, which may be too frequent to be a primary cause of disease. Although we suspect that this variant may be benign, at this time, the clinical significance of this variant is uncertain due to the absence of conclusive functional and genetic evidence.

GeneDx
Classification: Uncertain significance. Last evaluated: 2024-09-05. Review status: criteria provided, single submitter. Criteria: GeneDx Variant Classification Process June 2021. Collection method: clinical testing. Allele origin: germline. Affected: yes.
Comment: In silico analysis does not support a benign or deleterious effect of this variant on protein structure/function; Has not been previously published as pathogenic or benign to our knowledge; Reported using an alternate transcript of the gene

NM_174878.3(CLRN1):c.254-2131G>A

Gene: CLRN1 (clarin 1; minus strand). Cytogenetic location: 3q25.1.
Variant type: single nucleotide variant.
Coding change: c.254-2131G>A on transcript NM_174878.3 (MANE Select); 2131 bases into the intron before coding-DNA position 254, G replaced by A.
Molecular consequence: intron variant. On other transcripts: missense variant (1), 5 prime UTR variant (1).
Genome position (GRCh38, 1-based): chr3:150,943,892, C>T on the plus strand (G>A on the coding strand, the complement: CLRN1 is on the minus strand). VCF-style: chr3-150943892-C-T. GRCh37 (hg19) VCF-style: chr3-150661679-C-T.
Other names: c.353G>A (NM_001256819.1); c.353G>A, p.Arg118Gln (NM_001256819.2); c.-48G>A (NM_052995.2); c.254-2131G>A (NM_001195794.1); short protein forms R118Q.
Identifiers: ClinVar variation 3767614 (VCV003767614.2).